The following is an entry in ClinVar:

ClinVar aggregate classification (germline): Uncertain significance. Review status: criteria provided, multiple submitters, no conflicts (2 of 4 stars). 2 submissions from 2 submitters: Uncertain significance (2). Last evaluated 2025-08-29.

Conditions:
Inborn genetic diseases. Identifiers: MedGen C0950123, MeSH D030342.

Allele frequency attached by ClinVar (database versions not stated): gnomAD 0.00001; gnomAD exomes 0.00001; TOPMed 0.00001.
gnomAD v4.1: 6 of 1,614,080 alleles (0.00037%); highest among the groups gnomAD compares: Admixed American, 0.0083%; 1 homozygote.

Submissions (2):

Ambry Genetics
Classification: Uncertain significance for Inborn genetic diseases. Last evaluated: 2025-08-29. Review status: criteria provided, single submitter. Criteria: Ambry Variant Classification Scheme 2023. Collection method: clinical testing. Allele origin: germline.

Women's Health and Genetics/Laboratory Corporation of America, LabCorp
Classification: Uncertain significance. Last evaluated: 2023-10-11. Review status: criteria provided, single submitter. Criteria: LabCorp Variant Classification Summary - May 2015. Collection method: clinical testing. Allele origin: germline.
Comment: Variant summary: NPR2 c.2316C>G (p.Asp772Glu) results in a conservative amino acid change located in the Protein kinase domain (IPR000719) of the encoded protein sequence. Four of five in-silico tools predict a benign effect of the variant on protein function. The variant allele was found at a frequency of 1.6e-05 in 251464 control chromosomes in the gnomAD database, including 1 homozygote. The available data on variant occurrences in the general population are insufficient to allow any conclusion about variant significance. To our knowledge, no occurrence of c.2316C>G in individuals affected with NPR2-Related Disorders and no experimental evidence demonstrating its impact on protein function have been reported. No submitters have cited clinical-significance assessments for this variant to ClinVar after 2014. Based on the evidence outlined above, the variant was classified as uncertain significance.

NM_003995.4(NPR2):c.2316C>G (p.Asp772Glu)

Gene: NPR2 (natriuretic peptide receptor 2; plus strand). Cytogenetic location: 9p13.3.
Variant type: single nucleotide variant.
Coding change: c.2316C>G on transcript NM_003995.4 (MANE Select); coding-DNA position 2316, C replaced by G.
Protein change: p.Asp772Glu; replaces aspartic acid 772 with glutamic acid.
Molecular consequence: missense variant.
Genome position (GRCh38, 1-based): chr9:35,806,177, C>G. VCF-style: chr9-35806177-C-G. GRCh37 (hg19) VCF-style: chr9-35806174-C-G.
Other names: c.2325C>G, p.Asp775Glu (NM_001378923.1); c.2316C>G (NM_003995.3); short protein forms D772E, D775E.
Identifiers: ClinVar variation 2637672 (VCV002637672.2), dbSNP rs1394679241, ClinGen allele CA373379209.